The following is an entry in ClinVar:

ClinVar aggregate classification (germline): Pathogenic/Likely pathogenic. Review status: criteria provided, multiple submitters, no conflicts (2 of 4 stars). 4 submissions from 4 submitters: Pathogenic (1); Likely pathogenic (2). 1 of the submissions does not count toward it. Last evaluated 2025-10-11.

Conditions:
Pyropoikilocytosis, hereditary. Also called: Pyropoikilocytosis. Identifiers: MedGen C0520739, MONDO:0009948, OMIM 266140, HP:0004839. Disease mechanism: loss of function.
Hereditary spherocytosis type 3. Also called: SPTA1-Related Spherocytosis; Spherocytosis type 3. Identifiers: Orphanet 822, MedGen C2678338, MONDO:0010053, OMIM 270970.

Allele frequency attached by ClinVar (database versions not stated): TOPMed below 0.00001; gnomAD 0.00001.
gnomAD v4.1: 5 of 1,602,358 alleles (0.00031%); highest among the groups gnomAD compares: Non-Finnish European, 0.00026%; no homozygotes.

Submissions (4):

Labcorp Genetics (formerly Invitae), Labcorp
Classification: Likely pathogenic. Last evaluated: 2025-10-11. Review status: criteria provided, single submitter. Criteria: Invitae Variant Classification Sherloc (09022015). Collection method: clinical testing. Allele origin: germline.
Comment: This sequence change falls in intron 19 of the SPTA1 gene. It does not directly change the encoded amino acid sequence of the SPTA1 protein. RNA analysis indicates that this variant induces altered splicing and likely results in a shortened protein product. This variant is not present in population databases (gnomAD no frequency). This variant has been observed in individuals with clinical features of autosomal recessive hereditary pyropoikilocytosis (PMID: 2346729, 6236232, 7074218, 9192783, 9746802). ClinVar contains an entry for this variant (Variation ID: 12862). Studies have shown that this variant results in skipping of exon 20, but is expected to preserve the integrity of the reading-frame (PMID: 9192783). In summary, the currently available evidence indicates that the variant is pathogenic, but additional data are needed to prove that conclusively. Therefore, this variant has been classified as Likely Pathogenic.

First Genomix Gene Laboratory, Genetic Diagnostics Department
Classification: Likely pathogenic for Pyropoikilocytosis, hereditary; Hereditary spherocytosis type 3. Last evaluated: 2025-08-29. Review status: criteria provided, single submitter. Criteria: ACMG Guidelines, 2015. Collection method: clinical testing. Allele origin: germline. Inheritance: Autosomal recessive inheritance. Affected: no. Observed: 1 variant allele.

ARUP Laboratories, Molecular Genetics and Genomics, ARUP Laboratories
Classification: Pathogenic. Last evaluated: 2024-07-17. Review status: criteria provided, single submitter. Criteria: ARUP Molecular Germline Variant Investigation Process 2024. Collection method: clinical testing. Allele origin: germline.
Comment: The SPTA1 c.2806-13T>G variant (rs757147440, ClinVar Variation ID 12862), also known as SPTA1 St. Claude, is reported in the literature as homozygous and compound heterozygous in individuals with pyropoikilocytosis and spherocytosis (Bijleveld 2015, Fournier 1997, Lecomte 1990, van Vuren 2019). This variant is absent from the Genome Aggregation Database (v2.1.1), indicating it is not a common polymorphism. This is an intronic variant and computational analyses (Alamut Visual Plus v.1.5.1) predict that this variant may impact splicing by both weakening the nearby canonical acceptor splice site and by creating a novel cryptic acceptor site. In functional studies, this intronic variant either inserts 12 additional nucleotides resulting in early truncation of SPTA1 or leads to skipping of exon 20 (Fournier 1997). Based on available information, this variant is considered to be pathogenic. References: Bijleveld R et al. Solving a cold case of haemolysis: back to the basics. Neth J Med. 2015 Feb. PMID: 25753074. Fournier CM et al. Spectrin St Claude, a splicing mutation of the human alpha-spectrin gene associated with severe poikilocytic anemia. Blood. 1997 Jun 15. PMID: 9192783. Lecomte MC et al. Severe recessive poikilocytic anaemia with a new spectrin alpha chain variant. Br J Haematol. 1990 Apr. PMID: 2346729.van Vuren A et al. The Complexity of Genotype-Phenotype Correlations in Hereditary Spherocytosis: A Cohort of 95 Patients: Genotype-Phenotype Correlation in Hereditary Spherocytosis. Hemasphere. 2019 Aug. PMID: 31723846.

OMIM
Classification: Pathogenic for PYROPOIKILOCYTOSIS, HEREDITARY. Last evaluated: 1998-10-01. Review status: no assertion criteria provided. Collection method: literature only. Allele origin: germline. Not counted in ClinVar's aggregate classification.

Literature cited by the submitters: PubMed 2346729 (cited by Labcorp Genetics (formerly Invitae), Labcorp); PubMed 6236232 (cited by Labcorp Genetics (formerly Invitae), Labcorp and OMIM); PubMed 7074218 (cited by Labcorp Genetics (formerly Invitae), Labcorp); PubMed 9192783 (cited by Labcorp Genetics (formerly Invitae), Labcorp and OMIM); PubMed 9746802 (cited by Labcorp Genetics (formerly Invitae), Labcorp and OMIM); PubMed 2568862 (cited by OMIM); PubMed 1679439 (cited by OMIM).

NM_003126.4(SPTA1):c.2806-13T>G

Gene: SPTA1 (spectrin alpha, erythrocytic 1; minus strand). Cytogenetic location: 1q23.1.
Variant type: single nucleotide variant.
Coding change: c.2806-13T>G on transcript NM_003126.4 (MANE Select); 13 bases into the intron before coding-DNA position 2806, T replaced by G.
Molecular consequence: intron variant.
Genome position (GRCh38, 1-based): chr1:158,656,669, A>C on the plus strand (T>G on the coding strand, the complement: SPTA1 is on the minus strand). VCF-style: chr1-158656669-A-C. GRCh37 (hg19) VCF-style: chr1-158626459-A-C.
Other names: IVS19AS, T-G, -13.
Identifiers: ClinVar variation 12862 (VCV000012862.4), dbSNP rs757147440, ClinGen allele CA212945.
Genomic context (GRCh38, chr1:158,656,669, plus strand): 5'-AAATGAATTGAGATCTAATAGAAAGGCCTCATGCTTCTTTAGAAGAGCCTGCATTTATTG[A>C]TGGAAGATCATCAGAATGAATATAGGAGGAACACTATTATTTCAACTACTATTATTTTGG-3'